The following is an entry in ClinVar:

NM_000256.3(MYBPC3):c.407-1G>A

Gene: MYBPC3 (myosin binding protein C3; minus strand). Cytogenetic location: 11p11.2.
Variant type: single nucleotide variant.
Coding change: c.407-1G>A on transcript NM_000256.3 (MANE Select); the canonical splice acceptor site of the intron before coding-DNA position 407, G replaced by A.
Molecular consequence: splice acceptor variant.
Genome position (GRCh38, 1-based): chr11:47,350,113, C>T on the plus strand (G>A on the coding strand, the complement: MYBPC3 is on the minus strand). VCF-style: chr11-47350113-C-T. GRCh37 (hg19) VCF-style: chr11-47371664-C-T.
Identifiers: ClinVar variation 1487885 (VCV001487885.10), dbSNP rs185449721, ClinGen allele CA055287.

ClinVar aggregate classification (germline): Pathogenic/Likely pathogenic. Review status: criteria provided, multiple submitters, no conflicts (2 of 4 stars). 5 submissions from 5 submitters: Pathogenic (1); Likely pathogenic (4). Last evaluated 2025-01-05.

Conditions:
Hypertrophic cardiomyopathy. Also called: HYPERTROPHIC MYOCARDIOPATHY. Identifiers: Orphanet 217569, MedGen C0007194, MeSH D002312, MONDO:0005045, HP:0001639.
Hypertrophic cardiomyopathy 4. Also called: Familial hypertrophic cardiomyopathy 4. Identifiers: MedGen C1861862, MONDO:0007268, OMIM 115197.
Left ventricular noncompaction 10 (LVNC10). Identifiers: Orphanet 154, Orphanet 54260, MedGen C3715165, MONDO:0014163, OMIM 615396.

Allele frequency attached by ClinVar (database versions not stated): gnomAD exomes below 0.00001; gnomAD 0.00001; ExAC 0.00005; 1000 Genomes Project 30x 0.00016; 1000 Genomes Project 0.00020.
gnomAD v4.1: 2 of 1,552,948 alleles (0.00013%); highest among the groups gnomAD compares: Non-Finnish European, 0.000087%; no homozygotes.

Submissions (5):

Labcorp Genetics (formerly Invitae), Labcorp
Classification: Likely pathogenic for Hypertrophic cardiomyopathy. Last evaluated: 2025-01-05. Review status: criteria provided, single submitter. Criteria: Invitae Variant Classification Sherloc (09022015). Collection method: clinical testing. Allele origin: germline.
Comment: This sequence change affects an acceptor splice site in intron 3 of the MYBPC3 gene. It is expected to disrupt RNA splicing. Variants that disrupt the donor or acceptor splice site typically lead to a loss of protein function (PMID: 16199547), and loss-of-function variants in MYBPC3 are known to be pathogenic (PMID: 19574547). This variant is not present in population databases (gnomAD no frequency). Disruption of this splice site has been observed in individual(s) with hypertrophic cardiomyopathy (PMID: 30297972, 35208637). ClinVar contains an entry for this variant (Variation ID: 1487885). Algorithms developed to predict the effect of sequence changes on RNA splicing suggest that this variant may disrupt the consensus splice site. In summary, the currently available evidence indicates that the variant is pathogenic, but additional data are needed to prove that conclusively. Therefore, this variant has been classified as Likely Pathogenic.

GeneDx
Classification: Likely pathogenic. Last evaluated: 2024-10-09. Review status: criteria provided, single submitter. Criteria: GeneDx Variant Classification Process June 2021. Collection method: clinical testing. Allele origin: germline. Affected: yes.
Comment: Identified in patients with HCM in published literature (PMID: 30297972, 35208637); Not observed at significant frequency in large population cohorts (gnomAD); Canonical splice site variant predicted to result in an in-frame loss of the adjacent exon in a gene for which loss of function is a known mechanism of disease; This variant is associated with the following publications: (PMID: 30297972, 35208637)

Revvity Omics, Revvity
Classification: Likely pathogenic. Last evaluated: 2023-11-17. Review status: criteria provided, single submitter. Criteria: ACMG Guidelines, 2015. Collection method: clinical testing. Allele origin: germline.

Fulgent Genetics
Classification: Likely pathogenic for Hypertrophic cardiomyopathy 4; Left ventricular noncompaction 10. Last evaluated: 2022-01-27. Review status: criteria provided, single submitter. Criteria: ACMG Guidelines, 2015. Collection method: clinical testing. Allele origin: unknown.

Clinical Genetics Service, Universitary Hospital 12 de Octubre
Classification: Pathogenic for Hypertrophic cardiomyopathy 4. Review status: criteria provided, single submitter. Criteria: ACMG Guidelines, 2015. Collection method: clinical testing. Allele origin: germline. Affected: yes.

Literature cited by the submitters: PubMed 16199547 (cited by Labcorp Genetics (formerly Invitae), Labcorp); PubMed 19574547 (cited by Labcorp Genetics (formerly Invitae), Labcorp); PubMed 30297972 (cited by Labcorp Genetics (formerly Invitae), Labcorp); PubMed 35208637 (cited by Labcorp Genetics (formerly Invitae), Labcorp).